The following is an entry in ClinVar:

ClinVar aggregate classification (germline): Pathogenic (1 of 4 stars; one submission).

Submission:

GeneDx
Classification: Pathogenic. Last evaluated: 2015-08-13. Review status: criteria provided, single submitter. Criteria: GeneDx Variant Classification (06012015). Collection method: clinical testing. Allele origin: germline. Affected: yes.
Comment: The S140X nonsense variant in the PHEX gene is predicted to cause loss of normal protein function either through protein truncation or nonsense-mediated mRNA decay. Although this variant has not been reported previously to our knowledge, we consider it to be pathogenic.

NM_000444.6(PHEX):c.419C>G (p.Ser140Ter)

Gene: PHEX (phosphate regulating endopeptidase homolog X-linked; plus strand). Cytogenetic location: Xp22.11.
Variant type: single nucleotide variant.
Coding change: c.419C>G on transcript NM_000444.6 (MANE Select); coding-DNA position 419, C replaced by G.
Protein change: p.Ser140Ter; replaces serine 140 with a stop codon.
Molecular consequence: nonsense.
Genome position (GRCh38, 1-based): chrX:22,076,457, C>G. VCF-style: chrX-22076457-C-G. GRCh37 (hg19) VCF-style: chrX-22094575-C-G.
Other names: c.419C>G, p.Ser140Ter (NM_001282754.2); short protein forms S140*.
Identifiers: ClinVar variation 419416 (VCV000419416.2), dbSNP rs140678356, ClinGen allele CA16621308.